The following is an entry in ClinVar:

ClinVar aggregate classification (germline): Pathogenic. Review status: criteria provided, multiple submitters, no conflicts (2 of 4 stars). 2 submissions from 2 submitters: Pathogenic (2). Last evaluated 2025-04-07.

Conditions:
Hereditary cancer-predisposing syndrome. Also called: Hereditary neoplastic syndrome; Neoplastic Syndromes, Hereditary; Hereditary Cancer Syndrome; Tumor predisposition. Identifiers: Orphanet 140162, MedGen C0027672, MeSH D009386, MONDO:0015356.
Cardiovascular phenotype. Identifiers: MedGen CN230736.

Allele frequency attached by ClinVar (database versions not stated): TOPMed 0.00001.
gnomAD v4.1: 8 of 1,614,122 alleles (0.0005%); highest among the groups gnomAD compares: African/African-American, 0.0013%; no homozygotes.

Submissions (2):

Labcorp Genetics (formerly Invitae), Labcorp
Classification: Pathogenic. Last evaluated: 2025-04-07. Review status: criteria provided, single submitter. Criteria: Invitae Variant Classification Sherloc (09022015). Collection method: clinical testing. Allele origin: germline.
Comment: This sequence change creates a premature translational stop signal (p.Trp105*) in the LZTR1 gene. It is expected to result in an absent or disrupted protein product. Loss-of-function variants in LZTR1 are known to be pathogenic (PMID: 24362817, 25335493, 25480913, 25795793, 29469822, 30368668, 30442762, 30442766, 30481304, 30859559). This variant is not present in population databases (gnomAD no frequency). This variant has not been reported in the literature in individuals affected with LZTR1-related conditions. ClinVar contains an entry for this variant (Variation ID: 2765532). For these reasons, this variant has been classified as Pathogenic.

Ambry Genetics
Classification: Pathogenic for Cardiovascular phenotype; Hereditary cancer-predisposing syndrome. Last evaluated: 2023-05-24. Review status: criteria provided, single submitter. Criteria: Ambry Variant Classification Scheme 2023. Collection method: clinical testing. Allele origin: germline.
Comment: The p.W105* pathogenic mutation (also known as c.315G>A), located in coding exon 3 of the LZTR1 gene, results from a G to A substitution at nucleotide position 315. This changes the amino acid from a tryptophan to a stop codon within coding exon 3. This alteration is expected to result in loss of function by premature protein truncation or nonsense-mediated mRNA decay. Loss-of-function variants in LZTR1 are related to an increased risk for schwannomas and autosomal recessive Noonan syndrome; however, such associations with autosomal dominant Noonan syndrome have not been observed (Piotrowski A et al. Nat Genet. 2014 Feb;46:182-7; Yamamoto GL et al. J Med Genet. 2015 Jun;52:413-21; Johnston JJ et al. Genet Med. 2018 10;20:1175-1185). Based on the supporting evidence, this variant is pathogenic for an increased risk of LZTR1-related schwannomatosis (SWN) and would be expected to cause autosomal recessive Noonan syndrome when present along with a second pathogenic or likely pathogenic variant on the other allele; however, the association of this alteration with autosomal dominant Noonan syndrome is unlikely.

Literature cited by the submitters: PubMed 24362817 (cited by Labcorp Genetics (formerly Invitae), Labcorp); PubMed 25335493 (cited by Labcorp Genetics (formerly Invitae), Labcorp); PubMed 25480913 (cited by Labcorp Genetics (formerly Invitae), Labcorp); PubMed 25795793 (cited by Labcorp Genetics (formerly Invitae), Labcorp); PubMed 29469822 (cited by Labcorp Genetics (formerly Invitae), Labcorp); PubMed 30368668 (cited by Labcorp Genetics (formerly Invitae), Labcorp); PubMed 30442762 (cited by Labcorp Genetics (formerly Invitae), Labcorp); PubMed 30442766 (cited by Labcorp Genetics (formerly Invitae), Labcorp); PubMed 30481304 (cited by Labcorp Genetics (formerly Invitae), Labcorp); PubMed 30859559 (cited by Labcorp Genetics (formerly Invitae), Labcorp).

NM_006767.4(LZTR1):c.315G>A (p.Trp105Ter)

Gene: LZTR1 (leucine zipper like post translational regulator 1; plus strand). Cytogenetic location: 22q11.21.
Variant type: single nucleotide variant.
Coding change: c.315G>A on transcript NM_006767.4 (MANE Select); coding-DNA position 315, G replaced by A.
Protein change: p.Trp105Ter; replaces tryptophan 105 with a stop codon.
Molecular consequence: nonsense.
Genome position (GRCh38, 1-based): chr22:20,985,892, G>A. VCF-style: chr22-20985892-G-A. GRCh37 (hg19) VCF-style: chr22-21340181-G-A.
Other names: c.315G>A (NM_006767.3); short protein forms W105*.
Identifiers: ClinVar variation 2765532 (VCV002765532.4), dbSNP rs1311529652, ClinGen allele CA410778899.